The following is an entry in ClinVar:

NM_001298.3(CNGA3):c.575T>C (p.Phe192Ser)

Gene: CNGA3 (cyclic nucleotide gated channel subunit alpha 3; plus strand). Cytogenetic location: 2q11.2.
Variant type: single nucleotide variant.
Coding change: c.575T>C on transcript NM_001298.3 (MANE Select); coding-DNA position 575, T replaced by C.
Protein change: p.Phe192Ser; replaces phenylalanine 192 with serine.
Molecular consequence: missense variant.
Genome position (GRCh38, 1-based): chr2:98,391,872, T>C. VCF-style: chr2-98391872-T-C. GRCh37 (hg19) VCF-style: chr2-99008335-T-C.
Other names: c.521T>C, p.Phe174Ser (NM_001079878.2); short protein forms F174S, F192S.
Identifiers: ClinVar variation 1348075 (VCV001348075.6), dbSNP rs2104235511, ClinGen allele CA347831688.

ClinVar aggregate classification (germline): Uncertain significance (1 of 4 stars; one submission).

Submission:

Labcorp Genetics (formerly Invitae), Labcorp
Classification: Uncertain significance. Last evaluated: 2024-10-26. Review status: criteria provided, single submitter. Criteria: Invitae Variant Classification Sherloc (09022015). Collection method: clinical testing. Allele origin: germline.
Comment: This sequence change replaces phenylalanine, which is neutral and non-polar, with serine, which is neutral and polar, at codon 192 of the CNGA3 protein (p.Phe192Ser). This variant is not present in population databases (gnomAD no frequency). This variant has not been reported in the literature in individuals affected with CNGA3-related conditions. ClinVar contains an entry for this variant (Variation ID: 1348075). Invitae Evidence Modeling of protein sequence and biophysical properties (such as structural, functional, and spatial information, amino acid conservation, physicochemical variation, residue mobility, and thermodynamic stability) indicates that this missense variant is expected to disrupt CNGA3 protein function with a positive predictive value of 95%. In summary, the available evidence is currently insufficient to determine the role of this variant in disease. Therefore, it has been classified as a Variant of Uncertain Significance.